The following is an entry in ClinVar:

NM_001126108.2(SLC12A3):c.1625T>C (p.Leu542Pro)

Gene: SLC12A3 (solute carrier family 12 member 3; plus strand). Cytogenetic location: 16q13.
Variant type: single nucleotide variant.
Coding change: c.1625T>C on transcript NM_001126108.2 (MANE Select); coding-DNA position 1625, T replaced by C.
Protein change: p.Leu542Pro; replaces leucine 542 with proline.
Molecular consequence: missense variant.
Genome position (GRCh38, 1-based): chr16:56,882,453, T>C. VCF-style: chr16-56882453-T-C. GRCh37 (hg19) VCF-style: chr16-56916365-T-C.
Other names: c.1625T>C, p.Leu542Pro (NM_000339.3); c.1622T>C, p.Leu541Pro (NM_001126107.2, NM_001410896.1); short protein forms L541P, L542P.
Identifiers: ClinVar variation 3375010 (VCV003375010.1).

ClinVar aggregate classification (germline): Uncertain significance (1 of 4 stars; one submission).

Submission:

Women's Health and Genetics/Laboratory Corporation of America, LabCorp
Classification: Uncertain significance. Last evaluated: 2024-09-06. Review status: criteria provided, single submitter. Criteria: LabCorp Variant Classification Summary - May 2015. Collection method: clinical testing. Allele origin: germline.
Comment: Variant summary: SLC12A3 c.1625T>C (p.Leu542Pro) results in a non-conservative amino acid change located in the Amino acid permease/ SLC12A domain (IPR004841) of the encoded protein sequence. Five of five in-silico tools predict a damaging effect of the variant on protein function. The variant allele was found at a frequency of 4e-06 in 251490 control chromosomes (gnomAD). The available data on variant occurrences in the general population are insufficient to allow any conclusion about variant significance. c.1625T>C has been reported in the literature in individuals affected with Familial Hypokalemia-Hypomagnesemia (Mastroianni_1996, Caiata-Zufferey_2012, Corbetta_2014). These data do not allow any conclusion about variant significance. To our knowledge, no experimental evidence demonstrating an impact on protein function has been reported. The following publications have been ascertained in the context of this evaluation (PMID: 22334612, 25422309, 8900229). No submitters have cited clinical-significance assessments for this variant to ClinVar. Based on the evidence outlined above, the variant was classified as uncertain significance.

Literature cited by the submitters: PubMed 8900229; PubMed 25422309; PubMed 22334612.